The following is an entry in ClinVar:

NM_005732.4(RAD50):c.130-2A>G

Gene: RAD50 (RAD50 double strand break repair protein; plus strand). Cytogenetic location: 5q31.1.
Variant type: single nucleotide variant.
Coding change: c.130-2A>G on transcript NM_005732.4 (MANE Select); the canonical splice acceptor site of the intron before coding-DNA position 130, A replaced by G.
Molecular consequence: splice acceptor variant.
Genome position (GRCh38, 1-based): chr5:132,559,282, A>G. VCF-style: chr5-132559282-A-G. GRCh37 (hg19) VCF-style: chr5-131894974-A-G.
Identifiers: ClinVar variation 574232 (VCV000574232.7), dbSNP rs1561628206, ClinGen allele CA360953083.

ClinVar aggregate classification (germline): Likely pathogenic (1 of 4 stars; one submission).

Conditions:
Hereditary cancer-predisposing syndrome. Also called: Neoplastic Syndromes, Hereditary; Hereditary Cancer Syndrome; Tumor predisposition; Hereditary neoplastic syndrome. Identifiers: Orphanet 140162, MedGen C0027672, MeSH D009386, MONDO:0015356.

Allele frequency attached by ClinVar (database versions not stated): gnomAD exomes below 0.00001.
gnomAD v4.1: 1 of 1,599,434 alleles (0.000063%); highest among the groups gnomAD compares: Non-Finnish European, 0.000085%; no homozygotes.

Submission:

Labcorp Genetics (formerly Invitae), Labcorp
Classification: Likely pathogenic for Hereditary cancer-predisposing syndrome. Last evaluated: 2021-12-07. Review status: criteria provided, single submitter. Criteria: Invitae Variant Classification Sherloc (09022015). Collection method: clinical testing. Allele origin: germline.
Comment: This sequence change affects an acceptor splice site in intron 1 of the RAD50 gene. It is expected to disrupt RNA splicing. Variants that disrupt the donor or acceptor splice site typically lead to a loss of protein function (PMID: 16199547), and loss-of-function variants in RAD50 are known to be pathogenic (PMID: 19409520). This variant is not present in population databases (gnomAD no frequency). This variant has not been reported in the literature in individuals affected with RAD50-related conditions. ClinVar contains an entry for this variant (Variation ID: 574232). Algorithms developed to predict the effect of sequence changes on RNA splicing suggest that this variant may disrupt the consensus splice site. In summary, the currently available evidence indicates that the variant is pathogenic, but additional data are needed to prove that conclusively. Therefore, this variant has been classified as Likely Pathogenic.

Literature cited by the submitters: PubMed 16199547; PubMed 19409520.